The following is an entry in ClinVar:

ClinVar aggregate classification (germline): Uncertain significance (1 of 4 stars; one submission).

Conditions:
Inborn genetic diseases. Identifiers: MedGen C0950123, MeSH D030342.

Submission:

Ambry Genetics
Classification: Uncertain significance for Inborn genetic diseases. Last evaluated: 2024-12-21. Review status: criteria provided, single submitter. Criteria: Ambry Variant Classification Scheme 2023. Collection method: clinical testing. Allele origin: germline.
Comment: The p.V267I variant (also known as c.799G>A), located in coding exon 6 of the BMPR2 gene, results from a G to A substitution at nucleotide position 799. The valine at codon 267 is replaced by isoleucine, an amino acid with highly similar properties. This amino acid position is conserved. In addition, this alteration is predicted to be tolerated by in silico analysis. Based on the available evidence, the clinical significance of this variant remains unclear.

NM_001204.7(BMPR2):c.799G>A (p.Val267Ile)

Gene: BMPR2 (bone morphogenetic protein receptor type 2; plus strand). Cytogenetic location: 2q33.2.
Variant type: single nucleotide variant.
Coding change: c.799G>A on transcript NM_001204.7 (MANE Select); coding-DNA position 799, G replaced by A.
Protein change: p.Val267Ile; replaces valine 267 with isoleucine.
Molecular consequence: missense variant.
Genome position (GRCh38, 1-based): chr2:202,518,999, G>A. VCF-style: chr2-202518999-G-A. GRCh37 (hg19) VCF-style: chr2-203383722-G-A.
Other names: short protein forms V267I.
Identifiers: ClinVar variation 3824766 (VCV003824766.1).